The following is an entry in ClinVar:

NM_000384.3(APOB):c.11071G>A (p.Asp3691Asn)

Gene: APOB (apolipoprotein B; minus strand). Cytogenetic location: 2p24.1.
Variant type: single nucleotide variant.
Coding change: c.11071G>A on transcript NM_000384.3 (MANE Select); coding-DNA position 11071, G replaced by A.
Protein change: p.Asp3691Asn; replaces aspartic acid 3691 with asparagine.
Molecular consequence: missense variant.
Genome position (GRCh38, 1-based): chr2:21,005,797, C>T on the plus strand (G>A on the coding strand, the complement: APOB is on the minus strand). VCF-style: chr2-21005797-C-T. GRCh37 (hg19) VCF-style: chr2-21228669-C-T.
Other names: c.11071G>A (NM_000384.2); short protein forms D3691N.
Identifiers: ClinVar variation 2932119 (VCV002932119.4), dbSNP rs149268579, ClinGen allele CA43494662.
Genomic context (GRCh38, chr2:21,005,797, plus strand): 5'-TGTACACAAAGGCAGTTGAAACACGAAGATGCTGTCTCCTACCAATGCTGGTGGTTACAT[C>T]CAGCTTTAGGAAATCCCATAAGCTCTTGTCATAGACTGGTAGGATGATATTTTTGAGGAA-3'
Protein context (NP_000375.3, residues 3681-3701): DKSLWDFLKL[Asp3691Asn]VTTSIGRRQH

ClinVar aggregate classification (germline): Uncertain significance. Review status: criteria provided, multiple submitters, no conflicts (2 of 4 stars). 2 submissions from 2 submitters: Uncertain significance (2). Last evaluated 2024-09-25.

Conditions:
Familial hypobetalipoproteinemia 1. Also called: APOB-Related Familial Hypobetalipoproteinemia; Hypobetalipoproteinemia, normotriglyceridemic; Acanthocytosis with hypobetalipoproteinemia. Identifiers: MedGen C4551990, MONDO:0014252, OMIM 615558.
Hypercholesterolemia, autosomal dominant, type B (FHCL2). Also called: Familial Hypercholesterolemia Type B; APOLIPOPROTEIN B-100, FAMILIAL DEFECTIVE; APOLIPOPROTEIN B-100, FAMILIAL LIGAND-DEFECTIVE; HYPERCHOLESTEROLEMIA, FAMILIAL, DUE TO LIGAND-DEFECTIVE APOLIPOPROTEIN B; Hyperlipoproteinemia Type IIb; Familial hypercholesterolemia 2. Identifiers: MedGen C1704417, MONDO:0007751, OMIM 144010.

Allele frequency attached by ClinVar (database versions not stated): gnomAD 0.00001; TOPMed 0.00001; ESP Exome Variant Server 0.00008.
gnomAD v4.1: 2 of 1,613,844 alleles (0.00012%); highest among the groups gnomAD compares: African/African-American, 0.0027%; no homozygotes.

Submissions (2):

Quest Diagnostics Nichols Institute San Juan Capistrano
Classification: Uncertain significance. Last evaluated: 2024-09-25. Review status: criteria provided, single submitter. Criteria: Quest Diagnostics criteria. Collection method: clinical testing. Allele origin: unknown.
Comment: The APOB c.11071G>A (p.Asp3691Asn) variant has not been reported in individuals with APOB-related conditions in the published literature. The frequency of this variant in the general population, 0.000013 (2/152100 chromosomes (Genome Aggregation Database)), is uninformative in the assessment of its pathogenicity. Analysis of this variant using bioinformatics tools for the prediction of the effect of amino acid changes on protein structure and function yielded predictions that this variant is benign. Based on the available information, we are unable to determine the clinical significance of this variant.

Labcorp Genetics (formerly Invitae), Labcorp
Classification: Uncertain significance for Familial hypobetalipoproteinemia 1; Hypercholesterolemia, autosomal dominant, type B. Last evaluated: 2024-05-05. Review status: criteria provided, single submitter. Criteria: Invitae Variant Classification Sherloc (09022015). Collection method: clinical testing. Allele origin: germline.
Comment: This sequence change replaces aspartic acid, which is acidic and polar, with asparagine, which is neutral and polar, at codon 3691 of the APOB protein (p.Asp3691Asn). This variant is not present in population databases (gnomAD no frequency). This variant has not been reported in the literature in individuals affected with APOB-related conditions. Advanced modeling of protein sequence and biophysical properties (such as structural, functional, and spatial information, amino acid conservation, physicochemical variation, residue mobility, and thermodynamic stability) performed at Invitae indicates that this missense variant is not expected to disrupt APOB protein function with a negative predictive value of 95%. In summary, the available evidence is currently insufficient to determine the role of this variant in disease. Therefore, it has been classified as a Variant of Uncertain Significance.